The following is an entry in ClinVar:

ClinVar aggregate classification (germline): Uncertain significance. Review status: criteria provided, multiple submitters, no conflicts (2 of 4 stars). 2 submissions from 2 submitters: Uncertain significance (2). Last evaluated 2025-11-13.

Conditions:
Inborn genetic diseases. Identifiers: MedGen C0950123, MeSH D030342.
Dystonic disorder. Also called: Dystonia. Identifiers: MedGen C0013421, MONDO:0003441, HP:0001332.

Allele frequency attached by ClinVar (database versions not stated): ExAC 0.00001; gnomAD exomes 0.00001; TOPMed 0.00003.
gnomAD v4.1: 18 of 1,611,542 alleles (0.0011%); highest among the groups gnomAD compares: East Asian, 0.0067%; no homozygotes.

Submissions (2):

Ambry Genetics
Classification: Uncertain significance for Inborn genetic diseases. Last evaluated: 2025-11-13. Review status: criteria provided, single submitter. Criteria: Ambry Variant Classification Scheme 2023. Collection method: clinical testing. Allele origin: germline.

Labcorp Genetics (formerly Invitae), Labcorp
Classification: Uncertain significance for Dystonic disorder. Last evaluated: 2025-07-14. Review status: criteria provided, single submitter. Criteria: Invitae Variant Classification Sherloc (09022015). Collection method: clinical testing. Allele origin: germline.
Comment: This sequence change replaces threonine, which is neutral and polar, with methionine, which is neutral and non-polar, at codon 216 of the ANO3 protein (p.Thr216Met). This variant is present in population databases (rs748171802, gnomAD 0.003%). This variant has not been reported in the literature in individuals affected with ANO3-related conditions. ClinVar contains an entry for this variant (Variation ID: 2712653). Invitae Evidence Modeling of protein sequence and biophysical properties (such as structural, functional, and spatial information, amino acid conservation, physicochemical variation, residue mobility, and thermodynamic stability) has been performed for this missense variant. However, the output from this modeling did not meet the statistical confidence thresholds required to predict the impact of this variant on ANO3 protein function. In summary, the available evidence is currently insufficient to determine the role of this variant in disease. Therefore, it has been classified as a Variant of Uncertain Significance.

NM_031418.4(ANO3):c.647C>T (p.Thr216Met)

Gene: ANO3 (anoctamin 3; plus strand). Cytogenetic location: 11p14.2.
Variant type: single nucleotide variant.
Coding change: c.647C>T on transcript NM_031418.4 (MANE Select); coding-DNA position 647, C replaced by T.
Protein change: p.Thr216Met; replaces threonine 216 with methionine.
Molecular consequence: missense variant.
Genome position (GRCh38, 1-based): chr11:26,516,882, C>T. VCF-style: chr11-26516882-C-T. GRCh37 (hg19) VCF-style: chr11-26538429-C-T.
Other names: c.647C>T (NM_031418.2); c.209C>T, p.Thr70Met (NM_001313727.2); c.830C>T, p.Thr277Met (NM_001313726.2); short protein forms T70M, T216M, T277M.
Identifiers: ClinVar variation 2712653 (VCV002712653.4), dbSNP rs748171802, ClinGen allele CA5925631.